The following is an entry in ClinVar:

NM_001930.4(DHPS):c.612T>C (p.Ser204=)

Gene: DHPS (deoxyhypusine synthase; minus strand). Cytogenetic location: 19p13.13.
Variant type: single nucleotide variant.
Coding change: c.612T>C on transcript NM_001930.4 (MANE Select); coding-DNA position 612, T replaced by C.
Protein change: p.Ser204=; no amino-acid change (serine 204 retained).
Molecular consequence: synonymous variant. On other transcripts: non-coding transcript variant (4).
Genome position (GRCh38, 1-based): chr19:12,679,523, A>G on the plus strand (T>C on the coding strand, the complement: DHPS is on the minus strand). VCF-style: chr19-12679523-A-G. GRCh37 (hg19) VCF-style: chr19-12790337-A-G.
Other names: c.486T>C, p.Ser162= (NM_001206974.2); c.612T>C, p.Ser204= (NM_001369691.1, NM_001369692.1, NM_013406.3 and 1 more transcripts); c.63T>C, p.Ser21= (NM_001369693.1).
Identifiers: ClinVar variation 3035505 (VCV003035505.2), dbSNP rs35129924, ClinGen allele CA9227757.
Genomic context (GRCh38, chr19:12,679,523, plus strand): 5'-GGCCCAGTAATACACGGACTCTGGGTTGTTGATCTCCTTGCCCAGCCGGGCGATCATCTT[A>G]GAAGGCGTCCACTTTACACCCTAGGAGAGGATGTGACCTTCAGGCCATGCCTCCCCTGAC-3'
Protein context (NP_001921.1, residues 194-214): QNTEGVKWTP[Ser204=]KMIARLGKEI

ClinVar aggregate classification (germline): Benign (0 of 4 stars; one submission).

Conditions:
DHPS-related disorder. Also called: DHPS-related condition.

Allele frequency attached by ClinVar (database versions not stated): gnomAD exomes 0.00041; ExAC 0.00125; 1000 Genomes Project 0.00339; 1000 Genomes Project 30x 0.00390; gnomAD 0.00409; TOPMed 0.00441; ESP Exome Variant Server 0.00523.
gnomAD v4.1: 1,240 of 1,614,214 alleles (0.077%); highest among the groups gnomAD compares: African/African-American, 1.5%; 10 homozygotes.

Submission:

PreventionGenetics, part of Exact Sciences
Classification: Benign for DHPS-related condition. Last evaluated: 2019-12-05. Review status: no assertion criteria provided. Collection method: clinical testing. Allele origin: germline.
Comment: This variant is classified as benign based on ACMG/AMP sequence variant interpretation guidelines (Richards et al. 2015 PMID: 25741868, with internal and published modifications).